The following is an entry in ClinVar:

NM_138576.4(BCL11B):c.1605G>C (p.Glu535Asp)

Gene: BCL11B (BCL11 transcription factor B; minus strand). Cytogenetic location: 14q32.2.
Variant type: single nucleotide variant.
Coding change: c.1605G>C on transcript NM_138576.4 (MANE Select); coding-DNA position 1605, G replaced by C.
Protein change: p.Glu535Asp; replaces glutamic acid 535 with aspartic acid.
Molecular consequence: missense variant.
Genome position (GRCh38, 1-based): chr14:99,175,231, C>G on the plus strand (G>C on the coding strand, the complement: BCL11B is on the minus strand). VCF-style: chr14-99175231-C-G. GRCh37 (hg19) VCF-style: chr14-99641568-C-G.
Other names: c.1602G>C, p.Glu534Asp (NM_001282237.2); c.1389G>C, p.Glu463Asp (NM_001282238.2); c.1392G>C, p.Glu464Asp (NM_022898.3); short protein forms E463D, E534D, E464D, E535D.
Identifiers: ClinVar variation 1500033 (VCV001500033.6), dbSNP rs1236845163, ClinGen allele CA390935007.
Genomic context (GRCh38, chr14:99,175,231, plus strand): 5'-GCTCGACTCGGGCCGGCTCTCGTTCTCCAGTAGCAGCTCCTCCTCCTCCTCCTCCTCCTC[C>G]TCGTCCTCCTCCTCCGGCTCGTGGCCCAGCGACGGGTCGCTCTCGTGGTGGCGGAAGTCA-3'
Protein context (NP_612808.1, residues 525-545): SLGHEPEEED[Glu535Asp]EEEEEEEELL

ClinVar aggregate classification (germline): Uncertain significance (1 of 4 stars; one submission).

Allele frequency attached by ClinVar (database versions not stated): gnomAD 0.00001; gnomAD exomes 0.00001.
gnomAD v4.1: 7 of 1,548,064 alleles (0.00045%); highest among the groups gnomAD compares: African/African-American, 0.0014%; no homozygotes.

Submission:

Labcorp Genetics (formerly Invitae), Labcorp
Classification: Uncertain significance. Last evaluated: 2023-11-04. Review status: criteria provided, single submitter. Criteria: Invitae Variant Classification Sherloc (09022015). Collection method: clinical testing. Allele origin: germline.
Comment: This sequence change replaces glutamic acid, which is acidic and polar, with aspartic acid, which is acidic and polar, at codon 535 of the BCL11B protein (p.Glu535Asp). The frequency data for this variant in the population databases is considered unreliable, as metrics indicate poor data quality at this position in the gnomAD database. This variant has not been reported in the literature in individuals affected with BCL11B-related conditions. ClinVar contains an entry for this variant (Variation ID: 1500033). Advanced modeling of protein sequence and biophysical properties (such as structural, functional, and spatial information, amino acid conservation, physicochemical variation, residue mobility, and thermodynamic stability) performed at Invitae indicates that this missense variant is not expected to disrupt BCL11B protein function with a negative predictive value of 80%. In summary, the available evidence is currently insufficient to determine the role of this variant in disease. Therefore, it has been classified as a Variant of Uncertain Significance.